The following is an entry in ClinVar:

ClinVar aggregate classification (germline): Likely benign (1 of 4 stars; one submission).

Submission:

CeGaT Center for Human Genetics Tuebingen
Classification: Likely benign. Last evaluated: 2024-03-01. Review status: criteria provided, single submitter. Criteria: CeGaT Center For Human Genetics Tuebingen Variant Classification Criteria Version 2. Collection method: clinical testing. Allele origin: germline. Affected: yes. Observed: 1 variant allele.
Comment: WAS: BP4, BP7

NM_000377.3(WAS):c.1149T>A (p.Pro383=)

Gene: WAS (WASP actin nucleation promoting factor; plus strand). Cytogenetic location: Xp11.23.
Variant type: single nucleotide variant.
Coding change: c.1149T>A on transcript NM_000377.3 (MANE Select); coding-DNA position 1149, T replaced by A.
Protein change: p.Pro383=; no amino-acid change (proline 383 retained).
Molecular consequence: synonymous variant.
Genome position (GRCh38, 1-based): chrX:48,688,877, T>A. VCF-style: chrX-48688877-T-A. GRCh37 (hg19) VCF-style: chrX-48547266-T-A.
Identifiers: ClinVar variation 3067325 (VCV003067325.21), dbSNP rs1602179487, ClinGen allele CA516356281.